The following is an entry in ClinVar:

ClinVar aggregate classification (germline): Uncertain significance (1 of 4 stars; one submission).

Allele frequency attached by ClinVar (database versions not stated): gnomAD 0.00001.
gnomAD v4.1: 1 of 1,563,236 alleles (0.000064%); highest among the groups gnomAD compares: African/African-American, 0.0014%; no homozygotes.

Submission:

Labcorp Genetics (formerly Invitae), Labcorp
Classification: Uncertain significance. Last evaluated: 2023-11-06. Review status: criteria provided, single submitter. Criteria: Invitae Variant Classification Sherloc (09022015). Collection method: clinical testing. Allele origin: germline.
Comment: This sequence change creates a premature translational stop signal (p.Glu217*) in the ABRAXAS1 gene. It is expected to result in an absent or disrupted protein product. However, the current clinical and genetic evidence is not sufficient to establish whether loss-of-function variants in ABRAXAS1 cause disease. This variant is present in population databases (no rsID available, gnomAD 0.01%). This variant has not been reported in the literature in individuals affected with ABRAXAS1-related conditions. Algorithms developed to predict the effect of sequence changes on RNA splicing suggest that this variant may disrupt the consensus splice site. In summary, the available evidence is currently insufficient to determine the role of this variant in disease. Therefore, it has been classified as a Variant of Uncertain Significance.

NM_139076.3(ABRAXAS1):c.649G>T (p.Glu217Ter)

Gene: ABRAXAS1 (abraxas 1, BRCA1 A complex subunit; minus strand). Cytogenetic location: 4q21.23.
Variant type: single nucleotide variant.
Coding change: c.649G>T on transcript NM_139076.3 (MANE Select); coding-DNA position 649, G replaced by T.
Protein change: p.Glu217Ter; replaces glutamic acid 217 with a stop codon.
Molecular consequence: nonsense.
Genome position (GRCh38, 1-based): chr4:83,467,486, C>A on the plus strand (G>T on the coding strand, the complement: ABRAXAS1 is on the minus strand). VCF-style: chr4-83467486-C-A. GRCh37 (hg19) VCF-style: chr4-84388639-C-A.
Other names: c.322G>T, p.Glu108Ter (NM_001345962.2); short protein forms E108*, E217*.
Identifiers: ClinVar variation 2728988 (VCV002728988.3), dbSNP rs1164568228, ClinGen allele CA357258720.